The following is an entry in ClinVar:

ClinVar aggregate classification (germline): Pathogenic (1 of 4 stars; one submission).

Conditions:
Glycogen storage disease, type IV (GSD4). Also called: AMYLOPECTINOSIS; ANDERSEN DISEASE; BRANCHER DEFICIENCY; CIRRHOSIS, FAMILIAL, WITH DEPOSITION OF ABNORMAL GLYCOGEN; GBE1 DEFICIENCY; GLYCOGEN BRANCHING ENZYME DEFICIENCY. Identifiers: Orphanet 367, MedGen C0017923, MONDO:0009292, OMIM 232500.

Submission:

Myriad Genetics, Inc.
Classification: Pathogenic for Glycogen storage disease, type IV. Last evaluated: 2024-06-18. Review status: criteria provided, single submitter. Criteria: Myriad Autosomal Dominant, Autosomal Recessive and X-Linked Classification Criteria (2023). Collection method: clinical testing. Allele origin: unknown.
Comment: NM_000158.3(GBE1):c.224_227dupCATT(G77Ifs*8) is expected to be pathogenic in the context of glycogen storage disease, GBE1-related. This variant is predicted to lead to an abnormal or absent protein product due to the creation of a premature termination codon in GBE1, a gene where loss-of-function variants are known to be pathogenic. Please note: this variant was assessed in the context of healthy population screening.

NM_000158.4(GBE1):c.224_227dup (p.Gly77fs)

Gene: GBE1 (1,4-alpha-glucan branching enzyme 1; minus strand). Cytogenetic location: 3p12.2.
Variant type: Duplication.
Coding change: c.224_227dup on transcript NM_000158.4 (MANE Select); coding-DNA positions 224 to 227, 4 bases duplicated (CATT; older notation c.224_227dupCATT).
Protein change: p.Gly77fs; shifts the reading frame from glycine 77.
Molecular consequence: frameshift variant.
Genome position (GRCh38, 1-based): chr3:81,705,530-81,705,533, AATG duplicated on the plus strand (CATT on the coding strand, the reverse complement: GBE1 is on the minus strand); duplicating any 4 consecutive bases within chr3:81,705,530-81,705,534 gives the same sequence; the c. name uses the placement nearest the transcript's 3' end. VCF-style (leftmost placement, unchanged base first): chr3-81705529-A-AAATG. GRCh37 (hg19) VCF-style: chr3-81754680-A-AAATG.
Other names: short protein forms G77fs.
Identifiers: ClinVar variation 5013195 (VCV005013195.1).